The following is an entry in ClinVar:

ClinVar aggregate classification (germline): Uncertain significance (1 of 4 stars; one submission).

Conditions:
Hereditary cancer-predisposing syndrome. Also called: Neoplastic Syndromes, Hereditary; Tumor predisposition; Hereditary Cancer Syndrome; Hereditary neoplastic syndrome. Identifiers: Orphanet 140162, MedGen C0027672, MeSH D009386, MONDO:0015356.

gnomAD v4.1: 1 of 1,613,874 alleles (0.000062%); highest among the groups gnomAD compares: East Asian, 0.0022%; no homozygotes.

Submission:

Ambry Genetics
Classification: Uncertain significance for Hereditary cancer-predisposing syndrome. Last evaluated: 2026-06-05. Review status: criteria provided, single submitter. Criteria: Ambry Variant Classification Scheme 2023. Collection method: clinical testing. Allele origin: germline.
Comment: The p.R171L variant (also known as c.512G>T), located in coding exon 5 of the SDHA gene, results from a G to T substitution at nucleotide position 512. The arginine at codon 171 is replaced by leucine, an amino acid with dissimilar properties. This amino acid position is highly conserved in available vertebrate species. In addition, this alteration is predicted to be deleterious by in silico analysis. Based on the available evidence, the clinical significance of this variant remains unclear.

NM_004168.4(SDHA):c.512G>T (p.Arg171Leu)

Gene: SDHA (succinate dehydrogenase complex flavoprotein subunit A; plus strand). Cytogenetic location: 5p15.33.
Variant type: single nucleotide variant.
Coding change: c.512G>T on transcript NM_004168.4 (MANE Select); coding-DNA position 512, G replaced by T.
Protein change: p.Arg171Leu; replaces arginine 171 with leucine.
Molecular consequence: missense variant.
Genome position (GRCh38, 1-based): chr5:225,938, G>T. VCF-style: chr5-225938-G-T. GRCh37 (hg19) VCF-style: chr5-226053-G-T.
Other names: c.368G>T, p.Arg123Leu (NM_001294332.2); c.512G>T, p.Arg171Leu (NM_001330758.2); short protein forms R123L, R171L.
Identifiers: ClinVar variation 2587075 (VCV002587075.3), dbSNP rs587782076, ClinGen allele CA359010124.